The following is an entry in ClinVar:

ClinVar aggregate classification (germline): Uncertain significance (1 of 4 stars; one submission).

Conditions:
Breast-ovarian cancer, familial, susceptibility to, 2 (BROVCA2). Also called: BRCA2 Hereditary Breast and Ovarian Cancer. Identifiers: Orphanet 145, MedGen C2675520, MONDO:0012933, OMIM 612555. Disease mechanism: loss of function.

Submission:

All of Us Research Program, National Institutes of Health
Classification: Uncertain significance for Breast-ovarian cancer, familial, susceptibility to, 2. Last evaluated: 2023-06-28. Review status: criteria provided, single submitter. Criteria: ACMG Guidelines, 2015. Collection method: clinical testing. Allele origin: germline. Inheritance: Autosomal dominant inheritance. Observed: 1 variant allele, 1 heterozygote.
Comment: This study involves interpretation of variants in research participants for the purpose of population health screening. Participant phenotype was not available at the time of variant classification. Additional details can be found in publication PMID: 35346344, PMCID: PMC8962531

NM_000059.4(BRCA2):c.10030C>A (p.Leu3344Ile)

Gene: BRCA2 (BRCA2 DNA repair associated; plus strand). Cytogenetic location: 13q13.1.
Variant type: single nucleotide variant.
Coding change: c.10030C>A on transcript NM_000059.4 (MANE Select); coding-DNA position 10030, C replaced by A.
Protein change: p.Leu3344Ile; replaces leucine 3344 with isoleucine.
Molecular consequence: missense variant. On other transcripts: non-coding transcript variant (1).
Genome position (GRCh38, 1-based): chr13:32,398,543, C>A. VCF-style: chr13-32398543-C-A. GRCh37 (hg19) VCF-style: chr13-32972680-C-A.
Other names: c.9934C>A, p.Leu3312Ile (NM_001406719.1); c.9979C>A, p.Leu3327Ile (NM_001406720.1); c.5098C>A, p.Leu1700Ile (NM_001406721.1); c.3613C>A, p.Leu1205Ile (NM_001406722.1); short protein forms L1205I, L1700I, L3312I, L3327I, L3344I.
Identifiers: ClinVar variation 3071721 (VCV003071721.1), dbSNP rs377155248, ClinGen allele CA387767769.